The following is an entry in ClinVar:

NM_000089.4(COL1A2):c.1719+15T>C

Gene: COL1A2 (collagen type I alpha 2 chain; plus strand). Cytogenetic location: 7q21.3.
Variant type: single nucleotide variant.
Coding change: c.1719+15T>C on transcript NM_000089.4 (MANE Select); 15 bases into the intron after coding-DNA position 1719, T replaced by C.
Molecular consequence: intron variant.
Genome position (GRCh38, 1-based): chr7:94,414,290, T>C. VCF-style: chr7-94414290-T-C. GRCh37 (hg19) VCF-style: chr7-94043602-T-C.
Identifiers: ClinVar variation 512218 (VCV000512218.5), dbSNP rs746176634, ClinGen allele CA4347177.

ClinVar aggregate classification (germline): Likely benign. Review status: criteria provided, multiple submitters, no conflicts (2 of 4 stars). 3 submissions from 3 submitters: Likely benign (3). Last evaluated 2025-02-09.

Conditions:
Osteogenesis imperfecta type I (OI1). Also called: Lobstein's Disease; OI, TYPE I; OSTEOGENESIS IMPERFECTA TARDA; OSTEOGENESIS IMPERFECTA WITH BLUE SCLERAE; Classic Non-deforming Osteogenesis Imperfecta with Blue Sclerae; Lobstein disease. Identifiers: Orphanet 216796, Orphanet 666, MedGen C0023931, MONDO:0008146, OMIM 166200. Disease mechanism: loss of function.
Ehlers-Danlos syndrome, classic type, 1 (EDSCL1). Also called: Ehlers-Danlos syndrome, type 1; EHLERS-DANLOS SYNDROME, GRAVIS TYPE; EHLERS-DANLOS SYNDROME, SEVERE CLASSIC TYPE; Ehlers-Danlos Syndrome, Classic Type, COL5A1-Related; EDS I. Identifiers: MedGen C0268335, MONDO:0019567, OMIM 130000.

Allele frequency attached by ClinVar (database versions not stated): ExAC 0.00001; gnomAD 0.00001; gnomAD exomes 0.00001 and 0.00003.
gnomAD v4.1: 36 of 1,611,888 alleles (0.0022%); highest among the groups gnomAD compares: Non-Finnish European, 0.0029%; no homozygotes.

Submissions (3):

Labcorp Genetics (formerly Invitae), Labcorp
Classification: Likely benign for Osteogenesis imperfecta type I; Ehlers-Danlos syndrome, classic type, 1. Last evaluated: 2025-02-09. Review status: criteria provided, single submitter. Criteria: Invitae Variant Classification Sherloc (09022015). Collection method: clinical testing. Allele origin: germline.

Blueprint Genetics
Classification: Likely benign. Last evaluated: 2024-07-08. Review status: criteria provided, single submitter. Criteria: ACMG Guidelines, 2015. Collection method: clinical testing. Allele origin: germline.

GeneDx
Classification: Likely benign. Last evaluated: 2017-09-21. Review status: criteria provided, single submitter. Criteria: GeneDx Variant Classification (06012015). Collection method: clinical testing. Allele origin: germline. Affected: yes.
Comment: This variant is considered likely benign or benign based on one or more of the following criteria: it is a conservative change, it occurs at a poorly conserved position in the protein, it is predicted to be benign by multiple in silico algorithms, and/or has population frequency not consistent with disease.